The following is an entry in ClinVar:

ClinVar aggregate classification (germline): Uncertain significance (1 of 4 stars; one submission).

Conditions:
Gastrointestinal stromal tumor. Also called: Gastrointestinal stromal tumor, somatic; Gastrointestinal stroma tumor. Identifiers: Orphanet 44890, MedGen C0238198, MeSH D046152, MONDO:0011719, OMIM 606764, HP:0100723.

Submission:

Labcorp Genetics (formerly Invitae), Labcorp
Classification: Uncertain significance for Gastrointestinal stromal tumor. Last evaluated: 2023-12-26. Review status: criteria provided, single submitter. Criteria: Invitae Variant Classification Sherloc (09022015). Collection method: clinical testing. Allele origin: germline.
Comment: This sequence change replaces methionine, which is neutral and non-polar, with isoleucine, which is neutral and non-polar, at codon 302 of the PDGFRA protein (p.Met302Ile). This variant is not present in population databases (gnomAD no frequency). This variant has not been reported in the literature in individuals affected with PDGFRA-related conditions. Advanced modeling of protein sequence and biophysical properties (such as structural, functional, and spatial information, amino acid conservation, physicochemical variation, residue mobility, and thermodynamic stability) performed at Invitae indicates that this missense variant is not expected to disrupt PDGFRA protein function with a negative predictive value of 80%. In summary, the available evidence is currently insufficient to determine the role of this variant in disease. Therefore, it has been classified as a Variant of Uncertain Significance.

NM_006206.6(PDGFRA):c.906G>C (p.Met302Ile)

Gene: PDGFRA (platelet derived growth factor receptor alpha; plus strand). Cytogenetic location: 4q12.
Variant type: single nucleotide variant.
Coding change: c.906G>C on transcript NM_006206.6 (MANE Select); coding-DNA position 906, G replaced by C.
Protein change: p.Met302Ile; replaces methionine 302 with isoleucine.
Molecular consequence: missense variant.
Genome position (GRCh38, 1-based): chr4:54,267,435, G>C. VCF-style: chr4-54267435-G-C. GRCh37 (hg19) VCF-style: chr4-55133602-G-C.
Other names: c.906G>C, p.Met302Ile (NM_001347827.2, NM_001347829.2); c.981G>C, p.Met327Ile (NM_001347828.2); c.945G>C, p.Met315Ile (NM_001347830.2); short protein forms M315I, M302I, M327I.
Identifiers: ClinVar variation 2705636 (VCV002705636.3), dbSNP rs2110265518, ClinGen allele CA356891360.